The following is an entry in ClinVar:

NM_007294.4(BRCA1):c.1525dup (p.Thr509fs)

Gene: BRCA1 (BRCA1 DNA repair associated; minus strand). Cytogenetic location: 17q21.31.
Variant type: Duplication.
Coding change: c.1525dup on transcript NM_007294.4 (MANE Select); coding-DNA position 1525, one base duplicated (A; older notation c.1525dupA).
Protein change: p.Thr509fs; shifts the reading frame from threonine 509.
Molecular consequence: frameshift variant. On other transcripts: intron variant (137).
Genome position (GRCh38, 1-based): chr17:43,094,006, T duplicated on the plus strand (A on the coding strand, the reverse complement: BRCA1 is on the minus strand). VCF-style (leftmost placement, unchanged base first): chr17-43094005-G-GT. GRCh37 (hg19) VCF-style: chr17-41246022-G-GT.
Other names: c.1522dup, p.Thr508fs (NM_001407613.1, NM_001407614.1, NM_001407615.1 and 22 more transcripts); c.1525dup, p.Thr509fs (NM_001407616.1, NM_001407617.1, NM_001407618.1 and 30 more transcripts); c.1399dup, p.Thr467fs (NM_001407671.1, NM_001407672.1, NM_001407673.1 and 11 more transcripts); c.1402dup, p.Thr468fs (NM_001407674.1, NM_001407675.1, NM_001407676.1 and 19 more transcripts); c.1312dup, p.Thr438fs (NM_001407571.1, NM_001407853.1, NM_001407896.1 and 9 more transcripts); c.1516dup, p.Thr506fs (NM_001407646.1, NM_001407647.1); c.1447dup, p.Thr483fs (NM_001407653.1, NM_001407654.1, NM_001407655.1 and 4 more transcripts); c.1444dup, p.Thr482fs (NM_001407659.1, NM_001407660.1, NM_001407661.1 and 1 more transcripts); and 41 more; short protein forms T381fs, T397fs, T421fs, T438fs, T461fs, T506fs, T508fs, T398fs.
Identifiers: ClinVar variation 3992610 (VCV003992610.2).
Genomic context (GRCh38, chr17:43,094,005, plus strand): 5'-GGAGTCTTTTGAACTGCCAAATCTGCTTTCTTGATAAAATCCTCAGGATGAAGGCCTGAT[G>GT]TAGGTCTCCTTTTACGCTTTAATTTATTTGTGAGGGGACGCTCTTGTATTATCTGTGGCT-3'

ClinVar aggregate classification (germline): Pathogenic. Review status: criteria provided, multiple submitters, no conflicts (2 of 4 stars). 2 submissions from 2 submitters: Pathogenic (2). Last evaluated 2026-05-07.

Conditions:
Inherited breast cancer and ovarian cancer.
Hereditary cancer-predisposing syndrome. Also called: Neoplastic Syndromes, Hereditary; Tumor predisposition; Hereditary neoplastic syndrome; Hereditary Cancer Syndrome. Identifiers: Orphanet 140162, MedGen C0027672, MeSH D009386, MONDO:0015356.

Submissions (2):

Genomics and Molecular Medicine Service, East Genomic Laboratory Hub, NHS Genomic Medicine Service
Classification: Pathogenic for Inherited breast cancer and ovarian cancer. Last evaluated: 2026-05-07. Review status: criteria provided, single submitter. Criteria: ACGS Best Practice Guidelines for Variant Classification in Rare Disease 2020. Collection method: clinical testing. Allele origin: germline. Affected: yes.
Comment: PVS1,PM2,PM5_Strong

Ambry Genetics
Classification: Pathogenic for Hereditary cancer-predisposing syndrome. Last evaluated: 2025-04-30. Review status: criteria provided, single submitter. Criteria: Ambry Variant Classification Scheme 2023. Collection method: clinical testing. Allele origin: germline.
Comment: The c.1525dupA pathogenic mutation, located in coding exon 9 of the BRCA1 gene, results from a duplication of A at nucleotide position 1525, causing a translational frameshift with a predicted alternate stop codon (p.T509Nfs*7). This variant is considered to be rare based on population cohorts in the Genome Aggregation Database (gnomAD). This alteration is expected to result in loss of function by premature protein truncation or nonsense-mediated mRNA decay. As such, this alteration is interpreted as a disease-causing mutation.